The following is an entry in ClinVar:

ClinVar aggregate classification (germline): Conflicting classifications of pathogenicity. Review status: criteria provided, conflicting classifications (1 of 4 stars). 2 submissions from 2 submitters: Uncertain significance (1); Likely benign (1). Last evaluated 2024-06-25.

Conditions:
Inborn genetic diseases. Identifiers: MedGen C0950123, MeSH D030342.
Spastic paraplegia. Identifiers: MedGen C0037772, HP:0001258.

Allele frequency attached by ClinVar (database versions not stated): ESP Exome Variant Server 0.00008; TOPMed 0.00003; gnomAD 0.00004 and 0.00006.

Submissions (2):

Labcorp Genetics (formerly Invitae), Labcorp
Classification: Uncertain significance for Spastic paraplegia. Last evaluated: 2024-06-25. Review status: criteria provided, single submitter. Criteria: Invitae Variant Classification Sherloc (09022015). Collection method: clinical testing. Allele origin: germline.
Comment: This sequence change replaces arginine, which is basic and polar, with histidine, which is basic and polar, at codon 314 of the GBA2 protein (p.Arg314His). This variant is present in population databases (rs371758545, gnomAD 0.06%). This variant has not been reported in the literature in individuals affected with GBA2-related conditions. ClinVar contains an entry for this variant (Variation ID: 411203). Algorithms developed to predict the effect of missense changes on protein structure and function output the following: SIFT: "Not Available"; PolyPhen-2: "Benign"; Align-GVGD: "Not Available". The histidine amino acid residue is found in multiple mammalian species, which suggests that this missense change does not adversely affect protein function. In summary, the available evidence is currently insufficient to determine the role of this variant in disease. Therefore, it has been classified as a Variant of Uncertain Significance.

Ambry Genetics
Classification: Likely benign for Inborn genetic diseases. Last evaluated: 2022-06-21. Review status: criteria provided, single submitter. Criteria: Ambry Variant Classification Scheme 2023. Collection method: clinical testing. Allele origin: germline.

NM_020944.3(GBA2):c.941G>A (p.Arg314His)

Gene: GBA2 (glucosylceramidase beta 2; minus strand). Cytogenetic location: 9p13.3.
Variant type: single nucleotide variant.
Coding change: c.941G>A on transcript NM_020944.3 (MANE Select); coding-DNA position 941, G replaced by A.
Protein change: p.Arg314His; replaces arginine 314 with histidine.
Molecular consequence: missense variant.
Genome position (GRCh38, 1-based): chr9:35,740,910, C>T on the plus strand (G>A on the coding strand, the complement: GBA2 is on the minus strand). VCF-style: chr9-35740910-C-T. GRCh37 (hg19) VCF-style: chr9-35740907-C-T.
Other names: c.941G>A, p.Arg314His (NM_001330660.2); short protein forms R314H.
Identifiers: ClinVar variation 411203 (VCV000411203.9), dbSNP rs371758545, ClinGen allele CA5050584.